The following is an entry in ClinVar:

NM_015192.4(PLCB1):c.1763+2T>C

Gene: PLCB1 (phospholipase C beta 1; plus strand). Cytogenetic location: 20p12.3.
Variant type: single nucleotide variant.
Coding change: c.1763+2T>C on transcript NM_015192.4 (MANE Select); the canonical splice donor site of the intron after coding-DNA position 1763, T replaced by C.
Molecular consequence: splice donor variant.
Genome position (GRCh38, 1-based): chr20:8,727,395, T>C. VCF-style: chr20-8727395-T-C. GRCh37 (hg19) VCF-style: chr20-8708042-T-C.
Other names: c.1763+2T>C (NM_182734.3).
Identifiers: ClinVar variation 2086527 (VCV002086527.4), dbSNP rs1568574966, ClinGen allele CA408204231.

ClinVar aggregate classification (germline): Likely pathogenic (1 of 4 stars; one submission).

Conditions:
Developmental and epileptic encephalopathy, 12 (DEE12). Identifiers: MedGen C3150988, MONDO:0013389, OMIM 613722.

Allele frequency attached by ClinVar (database versions not stated): gnomAD exomes below 0.00001.
gnomAD v4.1: 1 of 1,507,996 alleles (0.000066%); highest among the groups gnomAD compares: Non-Finnish European, 0.000092%; no homozygotes.

Submission:

Labcorp Genetics (formerly Invitae), Labcorp
Classification: Likely pathogenic for Developmental and epileptic encephalopathy, 12. Last evaluated: 2022-12-06. Review status: criteria provided, single submitter. Criteria: Invitae Variant Classification Sherloc (09022015). Collection method: clinical testing. Allele origin: germline.
Comment: This sequence change affects a donor splice site in intron 17 of the PLCB1 gene. It is expected to disrupt RNA splicing. Variants that disrupt the donor or acceptor splice site typically lead to a loss of protein function (PMID: 16199547), and loss-of-function variants in PLCB1 are known to be pathogenic (PMID: 24684524). This variant is not present in population databases (gnomAD no frequency). This variant has not been reported in the literature in individuals affected with PLCB1-related conditions. Algorithms developed to predict the effect of sequence changes on RNA splicing suggest that this variant may disrupt the consensus splice site. In summary, the currently available evidence indicates that the variant is pathogenic, but additional data are needed to prove that conclusively. Therefore, this variant has been classified as Likely Pathogenic.

Literature cited by the submitters: PubMed 16199547; PubMed 24684524.